The following is an entry in ClinVar:

NM_139281.3(WDR36):c.2013A>T (p.Val671=)

Gene: WDR36 (WD repeat domain 36; plus strand). Cytogenetic location: 5q22.1.
Variant type: single nucleotide variant.
Coding change: c.2013A>T on transcript NM_139281.3 (MANE Select); coding-DNA position 2013, A replaced by T.
Protein change: p.Val671=; no amino-acid change (valine 671 retained).
Molecular consequence: synonymous variant.
Genome position (GRCh38, 1-based): chr5:111,121,006, A>T. VCF-style: chr5-111121006-A-T. GRCh37 (hg19) VCF-style: chr5-110456704-A-T.
Identifiers: ClinVar variation 262465 (VCV000262465.12), dbSNP rs13186912, ClinGen allele CA3365952.

ClinVar aggregate classification (germline): Benign. Review status: criteria provided, multiple submitters, no conflicts (2 of 4 stars). 5 submissions from 5 submitters: Benign (5). Last evaluated 2026-02-02.

Conditions:
Glaucoma 1, open angle, G (GLC1G). Identifiers: MedGen C1835933, OMIM 609887, MONDO:0012357.

Allele frequency attached by ClinVar (database versions not stated): ESP Exome Variant Server 0.23930; TOPMed 0.24796; gnomAD 0.25379 and 0.26067; 1000 Genomes Project 30x 0.25609; 1000 Genomes Project 0.25919; ExAC 0.32083; gnomAD exomes 0.32889.
gnomAD v4.1: 496,502 of 1,610,660 alleles (31%); highest among the groups gnomAD compares: South Asian, 40%; 80,231 homozygotes.

Submissions (5):

Labcorp Genetics (formerly Invitae), Labcorp
Classification: Benign. Last evaluated: 2026-02-02. Review status: criteria provided, single submitter. Criteria: Invitae Variant Classification Sherloc (09022015). Collection method: clinical testing. Allele origin: germline.

Blueprint Genetics
Classification: Benign. Last evaluated: 2024-11-26. Review status: criteria provided, single submitter. Criteria: ACMG Guidelines, 2015. Collection method: clinical testing. Allele origin: germline.

Genome-Nilou Lab
Classification: Benign for Glaucoma 1, open angle, G. Last evaluated: 2021-12-05. Review status: criteria provided, single submitter. Criteria: ACMG Guidelines, 2015. Collection method: clinical testing. Allele origin: germline. Affected: no.

GeneDx
Classification: Benign. Last evaluated: 2018-05-10. Review status: criteria provided, single submitter. Criteria: GeneDx Variant Classification (06012015). Collection method: clinical testing. Allele origin: germline. Affected: yes.
Comment: This variant is considered likely benign or benign based on one or more of the following criteria: it is a conservative change, it occurs at a poorly conserved position in the protein, it is predicted to be benign by multiple in silico algorithms, and/or has population frequency not consistent with disease.

PreventionGenetics, part of Exact Sciences
Classification: Benign. Review status: criteria provided, single submitter. Criteria: ACMG Guidelines, 2015. Collection method: clinical testing. Allele origin: germline.